The following is an entry in ClinVar:

NM_001830.4(CLCN4):c.1930C>T (p.Arg644Cys)

Gene: CLCN4 (Cl-/H+ antiporter 4; plus strand). Cytogenetic location: Xp22.2.
Variant type: single nucleotide variant.
Coding change: c.1930C>T on transcript NM_001830.4 (MANE Select); coding-DNA position 1930, C replaced by T.
Protein change: p.Arg644Cys; replaces arginine 644 with cysteine.
Molecular consequence: missense variant.
Genome position (GRCh38, 1-based): chrX:10,214,034, C>T. VCF-style: chrX-10214034-C-T. GRCh37 (hg19) VCF-style: chrX-10182074-C-T.
Other names: c.1648C>T, p.Arg550Cys (NM_001256944.2); short protein forms R550C, R644C.
Identifiers: ClinVar variation 4811309 (VCV004811309.1).

ClinVar aggregate classification (germline): Uncertain significance (1 of 4 stars; one submission).

Submission:

Labcorp Genetics (formerly Invitae), Labcorp
Classification: Uncertain significance. Last evaluated: 2025-11-13. Review status: criteria provided, single submitter. Criteria: Invitae Variant Classification Sherloc (09022015). Collection method: clinical testing. Allele origin: germline.
Comment: This sequence change replaces arginine, which is basic and polar, with cysteine, which is neutral and slightly polar, at codon 644 of the CLCN4 protein (p.Arg644Cys). This variant is not present in population databases (gnomAD no frequency). This variant has not been reported in the literature in individuals affected with CLCN4-related conditions. Invitae Evidence Modeling of protein sequence and biophysical properties (such as structural, functional, and spatial information, amino acid conservation, physicochemical variation, residue mobility, and thermodynamic stability) has been performed for this missense variant. However, the output from this modeling did not meet the statistical confidence thresholds required to predict the impact of this variant on CLCN4 protein function. In summary, the available evidence is currently insufficient to determine the role of this variant in disease. Therefore, it has been classified as a Variant of Uncertain Significance.